The following is an entry in ClinVar:

ClinVar aggregate classification (germline): Pathogenic (1 of 4 stars; one submission).

Conditions:
Peroxisome biogenesis disorder 2B (PBD2B). Identifiers: Orphanet 44, MedGen C3550234, MONDO:0008736, OMIM 202370.

Submission:

Labcorp Genetics (formerly Invitae), Labcorp
Classification: Pathogenic for Peroxisome biogenesis disorder 2B. Last evaluated: 2023-08-01. Review status: criteria provided, single submitter. Criteria: Invitae Variant Classification Sherloc (09022015). Collection method: clinical testing. Allele origin: germline.
Comment: For these reasons, this variant has been classified as Pathogenic. This variant has not been reported in the literature in individuals affected with PEX5-related conditions. This variant is not present in population databases (gnomAD no frequency). This sequence change creates a premature translational stop signal (p.Leu476Trpfs*25) in the PEX5 gene. It is expected to result in an absent or disrupted protein product. Loss-of-function variants in PEX5 are known to be pathogenic (PMID: 18712838, 21031596).

Literature cited by the submitters: PubMed 18712838; PubMed 21031596.

NM_001351132.2(PEX5):c.1426del (p.Leu476fs)

Gene: PEX5 (peroxisomal biogenesis factor 5; plus strand). Cytogenetic location: 12p13.31.
Variant type: Deletion.
Coding change: c.1426del on transcript NM_001351132.2 (MANE Select); coding-DNA position 1426, one base deleted (C; older notation c.1426delC).
Protein change: p.Leu476fs; shifts the reading frame from leucine 476.
Molecular consequence: frameshift variant.
Genome position (GRCh38, 1-based): chr12:7,209,036, C deleted; the last of 2 consecutive C bases (chr12:7,209,035-7,209,036); deleting either gives the same sequence. VCF-style (leftmost placement, unchanged base first): chr12-7209034-TC-T. GRCh37 (hg19) VCF-style: chr12-7361630-TC-T.
Other names: c.1315del, p.Leu439fs (NM_001131024.2, NM_001351124.3, NM_001351126.2 and 7 more transcripts); c.1426del, p.Leu476fs (NM_001131025.2, NM_001131026.2, NM_001300789.3 and 4 more transcripts); c.1360del, p.Leu454fs (NM_001351135.3, NM_001351138.2); c.1417del, p.Leu473fs (NM_001351136.2); c.1291del, p.Leu431fs (NM_001351139.2, NM_001351140.2, NM_001374649.2); c.1402del, p.Leu468fs (NM_000319.5); c.1471del, p.Leu491fs (NM_001131023.2); short protein forms L454fs, L439fs, L431fs, L468fs, L473fs, L491fs, L476fs.
Identifiers: ClinVar variation 2749134 (VCV002749134.3), dbSNP rs2540292773, ClinGen allele CA2617414686.